The following is an entry in ClinVar:

NM_198576.4(AGRN):c.1384+28G>A

Gene: AGRN (agrin; plus strand). Cytogenetic location: 1p36.33.
Variant type: single nucleotide variant.
Coding change: c.1384+28G>A on transcript NM_198576.4 (MANE Select); 28 bases into the intron after coding-DNA position 1384, G replaced by A.
Molecular consequence: intron variant.
Genome position (GRCh38, 1-based): chr1:1,042,190, G>A. VCF-style: chr1-1042190-G-A. GRCh37 (hg19) VCF-style: chr1-977570-G-A.
Other names: c.1384+28G>A (NM_001305275.2); c.1069+28G>A (NM_001364727.2).
Identifiers: ClinVar variation 263159 (VCV000263159.6), dbSNP rs2710876, ClinGen allele CA508134.

ClinVar aggregate classification (germline): Benign. Review status: criteria provided, multiple submitters, no conflicts (2 of 4 stars). 4 submissions from 4 submitters: Benign (4). Last evaluated 2021-07-14.

Conditions:
Congenital myasthenic syndrome 8. Also called: Myasthenic syndrome, congenital, 8, with pre- and postsynaptic defects; MYASTHENIC SYNDROME, CONGENITAL, DUE TO AGRIN DEFICIENCY. Identifiers: Orphanet 590, MedGen C3808739, MONDO:0014052, OMIM 615120.

Allele frequency attached by ClinVar (database versions not stated): TOPMed 0.76648; ESP Exome Variant Server 0.77412; gnomAD 0.77416 and 0.78567; 1000 Genomes Project 30x 0.78310; 1000 Genomes Project 0.79413; ExAC 0.89464; gnomAD exomes 0.89731 and 0.91003.
gnomAD v4.1: 1,414,625 of 1,576,312 alleles (90%); highest among the groups gnomAD compares: East Asian, 97%; 643,747 homozygotes.

Submissions (4):

Genome-Nilou Lab
Classification: Benign for Congenital myasthenic syndrome 8. Last evaluated: 2021-07-14. Review status: criteria provided, single submitter. Criteria: ACMG Guidelines, 2015. Collection method: clinical testing. Allele origin: germline. Affected: no.

GeneDx
Classification: Benign. Last evaluated: 2018-06-16. Review status: criteria provided, single submitter. Criteria: GeneDx Variant Classification (06012015). Collection method: clinical testing. Allele origin: germline. Affected: yes.
Comment: This variant is considered likely benign or benign based on one or more of the following criteria: it is a conservative change, it occurs at a poorly conserved position in the protein, it is predicted to be benign by multiple in silico algorithms, and/or has population frequency not consistent with disease.

Breakthrough Genomics
Classification: Benign. Review status: criteria provided, single submitter. Criteria: ACMG Guidelines, 2015. Collection method: not provided. Allele origin: germline. Inheritance: Autosomal recessive inheritance. Affected: yes.

PreventionGenetics, part of Exact Sciences
Classification: Benign. Review status: criteria provided, single submitter. Criteria: ACMG Guidelines, 2015. Collection method: clinical testing. Allele origin: germline.